The following is an entry in ClinVar:

NM_005228.5(EGFR):c.1851C>T (p.Cys617=)

Gene: EGFR (epidermal growth factor receptor; plus strand). Cytogenetic location: 7p11.2.
Variant type: single nucleotide variant.
Coding change: c.1851C>T on transcript NM_005228.5 (MANE Select); coding-DNA position 1851, C replaced by T.
Protein change: p.Cys617=; no amino-acid change (cysteine 617 retained).
Molecular consequence: synonymous variant.
Genome position (GRCh38, 1-based): chr7:55,165,408, C>T. VCF-style: chr7-55165408-C-T. GRCh37 (hg19) VCF-style: chr7-55233101-C-T.
Other names: c.1716C>T, p.Cys572= (NM_001346897.2, NM_001346899.2); c.1851C>T, p.Cys617= (NM_001346898.2, NM_201282.2, NM_201284.2); c.1692C>T, p.Cys564= (NM_001346900.2); c.1050C>T, p.Cys350= (NM_001346941.2).
Identifiers: ClinVar variation 1150334 (VCV001150334.36), dbSNP rs143422127, ClinGen allele CA4265716.

ClinVar aggregate classification (germline): Likely benign. Review status: criteria provided, multiple submitters, no conflicts (2 of 4 stars). 4 submissions from 4 submitters: Likely benign (4). Last evaluated 2026-03-01.

Conditions:
Hereditary cancer-predisposing syndrome. Also called: Tumor predisposition; Hereditary neoplastic syndrome; Hereditary Cancer Syndrome; Neoplastic Syndromes, Hereditary. Identifiers: Orphanet 140162, MedGen C0027672, MeSH D009386, MONDO:0015356.
EGFR-related lung cancer (EGFR). Identifiers: MedGen CN130014.

Allele frequency attached by ClinVar (database versions not stated): ExAC 0.00005; gnomAD exomes 0.00007 and 0.00008; gnomAD 0.00010 and 0.00011; TOPMed 0.00011; ESP Exome Variant Server 0.00031.
gnomAD v4.1: 136 of 1,613,968 alleles (0.0084%); highest among the groups gnomAD compares: Non-Finnish European, 0.011%; no homozygotes.

Submissions (4):

CeGaT Center for Human Genetics Tuebingen
Classification: Likely benign. Last evaluated: 2026-03-01. Review status: criteria provided, single submitter. Criteria: CeGaT Center For Human Genetics Tuebingen Variant Classification Criteria Version 2. Collection method: clinical testing. Allele origin: germline. Affected: yes. Observed: 7 variant alleles.
Comment: EGFR: BP4, BP7

Labcorp Genetics (formerly Invitae), Labcorp
Classification: Likely benign for EGFR-related lung cancer. Last evaluated: 2026-01-09. Review status: criteria provided, single submitter. Criteria: Invitae Variant Classification Sherloc (09022015). Collection method: clinical testing. Allele origin: germline.

Ambry Genetics
Classification: Likely benign for Hereditary cancer-predisposing syndrome. Last evaluated: 2024-11-21. Review status: criteria provided, single submitter. Criteria: Ambry Variant Classification Scheme 2023. Collection method: clinical testing. Allele origin: germline.

Sema4
Classification: Likely benign for Hereditary cancer-predisposing syndrome. Last evaluated: 2020-11-28. Review status: criteria provided, single submitter. Criteria: Sema4 Curation Guidelines. Collection method: curation. Allele origin: germline.